The following is an entry in ClinVar:

ClinVar aggregate classification (germline): Likely benign (1 of 4 stars; one submission).

Allele frequency attached by ClinVar (database versions not stated): TOPMed below 0.00001; gnomAD 0.00001; gnomAD exomes 0.00001.
gnomAD v4.1: 5 of 1,613,550 alleles (0.00031%); highest among the groups gnomAD compares: Non-Finnish European, 0.00042%; no homozygotes.

Submission:

GeneDx
Classification: Likely benign. Last evaluated: 2015-11-13. Review status: criteria provided, single submitter. Criteria: GeneDx Variant Classification (06012015). Collection method: clinical testing. Allele origin: germline. Affected: yes.
Comment: This variant is considered likely benign or benign based on one or more of the following criteria: it is a conservative change, it occurs at a poorly conserved position in the protein, it is predicted to be benign by multiple in silico algorithms, and/or has population frequency not consistent with disease.

NM_006796.3(AFG3L2):c.1318+7G>A

Gene: AFG3L2 (AFG3 like matrix AAA peptidase subunit 2; minus strand). Cytogenetic location: 18p11.21.
Variant type: single nucleotide variant.
Coding change: c.1318+7G>A on transcript NM_006796.3 (MANE Select); 7 bases into the intron after coding-DNA position 1318, G replaced by A.
Molecular consequence: intron variant.
Genome position (GRCh38, 1-based): chr18:12,352,998, C>T on the plus strand (G>A on the coding strand, the complement: AFG3L2 is on the minus strand). VCF-style: chr18-12352998-C-T. GRCh37 (hg19) VCF-style: chr18-12352997-C-T.
Identifiers: ClinVar variation 381396 (VCV000381396.1), dbSNP rs1057521036, ClinGen allele CA16608710.